The following is an entry in ClinVar:

ClinVar aggregate classification (germline): Likely benign (1 of 4 stars; one submission).

Allele frequency attached by ClinVar (database versions not stated): gnomAD 0.00007; gnomAD exomes 0.00005; TOPMed 0.00010.
gnomAD v4.1: 55 of 1,094,478 alleles (0.005%); highest among the groups gnomAD compares: Non-Finnish European, 0.0049%; no homozygotes.

Submission:

CeGaT Center for Human Genetics Tuebingen
Classification: Likely benign. Last evaluated: 2022-10-01. Review status: criteria provided, single submitter. Criteria: CeGaT Center For Human Genetics Tuebingen Variant Classification Criteria Version 2. Collection method: clinical testing. Allele origin: germline. Affected: yes. Observed: 1 variant allele.
Comment: RFNG: BP4, BP7

NM_002917.2(RFNG):c.6C>T (p.Ser2=)

Genes: GPS1 (G protein pathway suppressor 1; plus strand), RFNG (RFNG O-fucosylpeptide 3-beta-N-acetylglucosaminyltransferase; minus strand). Cytogenetic location: 17q25.3.
Variant type: single nucleotide variant.
Coding change: c.6C>T on transcript NM_002917.2 (MANE Select); coding-DNA position 6, C replaced by T.
Protein change: p.Ser2=; no amino-acid change (serine 2 retained).
Molecular consequence: synonymous variant. On other transcripts: intron variant (8).
Genome position (GRCh38, 1-based): chr17:82,051,761, G>A on the plus strand (C>T on the coding strand, the complement: RFNG is on the minus strand). VCF-style: chr17-82051761-G-A. GRCh37 (hg19) VCF-style: chr17-80009637-G-A.
Other names: c.-16+670G>A (NM_001394765.1, NM_001394769.1); c.-52+237G>A (NM_001394760.1, NM_001394761.1); c.-101+237G>A (NM_001394770.1); c.-16+237G>A (NM_001394766.1, NM_001394771.1, NM_001394772.1).
Identifiers: ClinVar variation 2648483 (VCV002648483.22), dbSNP rs979230785, ClinGen allele CA295166856.
Genomic context (GRCh38, chr17:82,051,761, plus strand): 5'-CAGCGCGGCCAGGGCCGCGGCCAGCGCGAGGCAGGCCCGGCACAGCGCCCCACGCGCGCG[G>A]CTCATGCGGCCGCCGGGACCCCCGGCGCTGCGAGCGGAGAACCTGGCCGGAGCCGTGGGT-3'
Protein context (NP_002908.1, residues 1-12): M[Ser2=]RARGALCRAC